The following is an entry in ClinVar:

ClinVar aggregate classification (germline): Uncertain significance (1 of 4 stars; one submission).

gnomAD v4.1: 1 of 1,613,932 alleles (0.000062%); highest among the groups gnomAD compares: Non-Finnish European, 0.000085%; no homozygotes.

Submission:

GeneDx
Classification: Uncertain significance. Last evaluated: 2024-11-18. Review status: criteria provided, single submitter. Criteria: GeneDx Variant Classification Process June 2021. Collection method: clinical testing. Allele origin: germline. Affected: yes.
Comment: In silico analysis supports that this missense variant has a deleterious effect on protein structure/function; Has not been previously published as pathogenic or benign to our knowledge

NM_012470.4(TNPO3):c.1397T>C (p.Val466Ala)

Gene: TNPO3 (transportin 3; minus strand). Cytogenetic location: 7q32.1.
Variant type: single nucleotide variant.
Coding change: c.1397T>C on transcript NM_012470.4 (MANE Select); coding-DNA position 1397, T replaced by C.
Protein change: p.Val466Ala; replaces valine 466 with alanine.
Molecular consequence: missense variant. On other transcripts: non-coding transcript variant (18).
Genome position (GRCh38, 1-based): chr7:128,990,062, A>G on the plus strand (T>C on the coding strand, the complement: TNPO3 is on the minus strand). VCF-style: chr7-128990062-A-G. GRCh37 (hg19) VCF-style: chr7-128630116-A-G.
Other names: c.1397T>C, p.Val466Ala (NM_001191028.3, NM_001382218.1, NM_001382220.1 and 1 more transcripts); c.1499T>C, p.Val500Ala (NM_001382216.1); c.1478T>C, p.Val493Ala (NM_001382217.1); c.1289T>C, p.Val430Ala (NM_001382219.1); c.1253T>C, p.Val418Ala (NM_001382221.1); c.1250T>C, p.Val417Ala (NM_001382222.1); short protein forms V417A, V418A, V430A, V466A, V493A, V500A.
Identifiers: ClinVar variation 3899598 (VCV003899598.1).